The following is an entry in ClinVar:

ClinVar aggregate classification (germline): Uncertain significance (1 of 4 stars; one submission).

Submission:

Labcorp Genetics (formerly Invitae), Labcorp
Classification: Uncertain significance. Last evaluated: 2024-05-22. Review status: criteria provided, single submitter. Criteria: Invitae Variant Classification Sherloc (09022015). Collection method: clinical testing. Allele origin: germline.
Comment: This sequence change replaces serine, which is neutral and polar, with threonine, which is neutral and polar, at codon 109 of the CYC1 protein (p.Ser109Thr). This variant also falls at the last nucleotide of exon 2, which is part of the consensus splice site for this exon. This variant is not present in population databases (gnomAD no frequency). This variant has not been reported in the literature in individuals affected with CYC1-related conditions. An algorithm developed to predict the effect of missense changes on protein structure and function (PolyPhen-2) suggests that this variant is likely to be disruptive. Variants that disrupt the consensus splice site are a relatively common cause of aberrant splicing (PMID: 17576681, 9536098). Algorithms developed to predict the effect of sequence changes on RNA splicing suggest that this variant may disrupt the consensus splice site. In summary, the available evidence is currently insufficient to determine the role of this variant in disease. Therefore, it has been classified as a Variant of Uncertain Significance.

Literature cited by the submitters: PubMed 17576681; PubMed 9536098.

NM_001916.5(CYC1):c.326G>C (p.Ser109Thr)

Gene: CYC1 (cytochrome c1; plus strand). Cytogenetic location: 8q24.3.
Variant type: single nucleotide variant.
Coding change: c.326G>C on transcript NM_001916.5 (MANE Select); coding-DNA position 326, G replaced by C.
Protein change: p.Ser109Thr; replaces serine 109 with threonine.
Molecular consequence: missense variant.
Genome position (GRCh38, 1-based): chr8:144,096,029, G>C. VCF-style: chr8-144096029-G-C. GRCh37 (hg19) VCF-style: chr8-145150932-G-C.
Other names: short protein forms S109T.
Identifiers: ClinVar variation 3654030 (VCV003654030.2).
Genomic context (GRCh38, chr8:144,096,029, plus strand): 5'-TGCACCCCCCCAGCTATCCGTGGTCTCACCGTGGCCTCCTCTCTTCCTTGGACCACACCA[G>C]GTGTGCAGCTGGCTGGCTGGCTGGCAGCGGGAGGTTCTGGGTGGAGCTGGTAAGGTGGAA-3'
Protein context (NP_001907.3, residues 99-119): RGLLSSLDHT[Ser109Thr]IRRGFQVYKQ